The following is an entry in ClinVar:

ClinVar aggregate classification (germline): Benign/Likely benign. Review status: criteria provided, multiple submitters, no conflicts (2 of 4 stars). 6 submissions from 6 submitters: Benign (1); Likely benign (2). 3 of the submissions do not count toward it. Last evaluated 2026-02-01.

Conditions:
Candidiasis, familial, 9 (CANDF9). Identifiers: Orphanet 1334, MedGen C4225324, MONDO:0014642, OMIM 616445.
IL17RC-related disorder. Also called: IL17RC-related condition.

Allele frequency attached by ClinVar (database versions not stated): 1000 Genomes Project 30x 0.00062; 1000 Genomes Project 0.00080; gnomAD 0.00127 and 0.00132; TOPMed 0.00132; ESP Exome Variant Server 0.00146; gnomAD exomes 0.00166 and 0.00223; ExAC 0.00173.
gnomAD v4.1: 3,435 of 1,604,918 alleles (0.21%); highest among the groups gnomAD compares: Non-Finnish European, 0.25%; 8 homozygotes.

Submissions (6):

Labcorp Genetics (formerly Invitae), Labcorp
Classification: Likely benign for Candidiasis, familial, 9. Last evaluated: 2026-02-01. Review status: criteria provided, single submitter. Criteria: Invitae Variant Classification Sherloc (09022015). Collection method: clinical testing. Allele origin: germline.

Mayo Clinic Laboratories, Mayo Clinic
Classification: Benign. Last evaluated: 2025-09-12. Review status: criteria provided, single submitter. Criteria: ACMG Guidelines, 2015. Collection method: clinical testing. Allele origin: germline. Observed: 1 variant allele.
Comment: BS2, BP4_strong

Blueprint Genetics
Classification: Likely benign. Last evaluated: 2024-11-26. Review status: criteria provided, single submitter. Criteria: ACMG Guidelines, 2015. Collection method: clinical testing. Allele origin: germline.

PreventionGenetics, part of Exact Sciences
Classification: Likely benign for IL17RC-related condition. Last evaluated: 2024-01-16. Review status: no assertion criteria provided. Collection method: clinical testing. Allele origin: germline. Not counted in ClinVar's aggregate classification.
Comment: This variant is classified as likely benign based on ACMG/AMP sequence variant interpretation guidelines (Richards et al. 2015 PMID: 25741868, with internal and published modifications).

Clinical Genetics DNA and cytogenetics Diagnostics Lab, Erasmus MC, Erasmus Medical Center
Classification: Likely benign. Review status: no assertion criteria provided. Collection method: clinical testing. Allele origin: germline. Affected: yes. Study: VKGL Data-share Consensus. Not counted in ClinVar's aggregate classification.

Genome Diagnostics Laboratory, University Medical Center Utrecht
Classification: Likely benign. Review status: no assertion criteria provided. Collection method: clinical testing. Allele origin: germline. Affected: yes. Study: VKGL Data-share Consensus. Not counted in ClinVar's aggregate classification.

NM_153460.4(IL17RC):c.977C>T (p.Ala326Val)

Gene: IL17RC (interleukin 17 receptor C; plus strand). Cytogenetic location: 3p25.3.
Variant type: single nucleotide variant.
Coding change: c.977C>T on transcript NM_153460.4 (MANE Select); coding-DNA position 977, C replaced by T.
Protein change: p.Ala326Val; replaces alanine 326 with valine.
Molecular consequence: missense variant. On other transcripts: non-coding transcript variant (1).
Genome position (GRCh38, 1-based): chr3:9,928,404, C>T. VCF-style: chr3-9928404-C-T. GRCh37 (hg19) VCF-style: chr3-9970088-C-T.
Other names: p.Ala397Val; c.977C>T, p.Ala326Val (NM_001203263.2, NM_001203264.2); c.932C>T, p.Ala311Val (NM_001203265.2, NM_001367280.1, NM_032732.6); c.938C>T, p.Ala313Val (NM_001367278.1); c.857C>T, p.Ala286Val (NM_001367279.1); c.1190C>T, p.Ala397Val (NM_153461.4); short protein forms A397V, A326V, A313V, A286V, A311V.
Identifiers: ClinVar variation 542545 (VCV000542545.16), dbSNP rs11719981, ClinGen allele CA2247087.